The following is an entry in ClinVar:

ClinVar aggregate classification (germline): Likely pathogenic (1 of 4 stars; one submission).

Submission:

Labcorp Genetics (formerly Invitae), Labcorp
Classification: Likely pathogenic. Last evaluated: 2021-08-03. Review status: criteria provided, single submitter. Criteria: Invitae Variant Classification Sherloc (09022015). Collection method: clinical testing. Allele origin: germline.
Comment: In summary, the currently available evidence indicates that the variant is pathogenic, but additional data are needed to prove that conclusively. Therefore, this variant has been classified as Likely Pathogenic. This variant has not been reported in the literature in individuals affected with CREB3L3-related conditions. This variant results in a copy number gain of the genomic region encompassing exon(s) 4 of the CREB3L3 gene. While the exact position of this variant cannot be determined from the data, sub-genic copy number gains are generally in tandem (PMID: 25640679). This variant is predicted to be out-of-frame, and may result in an absent or disrupted protein product. Loss-of-function variants in CREB3L3 are known to be pathogenic (PMID: 21666694, 26427795).

Literature cited by the submitters: PubMed 25640679; PubMed 21666694; PubMed 26427795.

NC_000019.9:g.(?_4159641)_(4159799_?)dup

Gene: CREB3L3 (cAMP responsive element binding protein 3 like 3; plus strand). Cytogenetic location: 19p13.3.
Variant type: Duplication.
Identifiers: ClinVar variation 1345155 (VCV001345155.4).